The following is an entry in ClinVar:

ClinVar aggregate classification (germline): Uncertain significance (1 of 4 stars; one submission).

Conditions:
Emery-Dreifuss muscular dystrophy (EDMD). Also called: Scapuloperoneal syndrome, X-linked (formerly); Humeroperoneal neuromuscular disease, (formerly). Identifiers: Orphanet 261, MedGen C0410189, MONDO:0016830.

Submission:

Labcorp Genetics (formerly Invitae), Labcorp
Classification: Uncertain significance for Emery-Dreifuss muscular dystrophy. Last evaluated: 2024-02-24. Review status: criteria provided, single submitter. Criteria: Invitae Variant Classification Sherloc (09022015). Collection method: clinical testing. Allele origin: germline.
Comment: This sequence change replaces arginine, which is basic and polar, with lysine, which is basic and polar, at codon 264 of the SUN2 protein (p.Arg264Lys). This variant is not present in population databases (gnomAD no frequency). This variant has not been reported in the literature in individuals affected with SUN2-related conditions. ClinVar contains an entry for this variant (Variation ID: 1054236). An algorithm developed to predict the effect of missense changes on protein structure and function (PolyPhen-2) suggests that this variant is likely to be tolerated. In summary, the available evidence is currently insufficient to determine the role of this variant in disease. Therefore, it has been classified as a Variant of Uncertain Significance.

NM_015374.3(SUN2):c.791G>A (p.Arg264Lys)

Gene: SUN2 (Sad1 and UNC84 domain containing 2; minus strand). Cytogenetic location: 22q13.1.
Variant type: single nucleotide variant.
Coding change: c.791G>A on transcript NM_015374.3 (MANE Select); coding-DNA position 791, G replaced by A.
Protein change: p.Arg264Lys; replaces arginine 264 with lysine.
Molecular consequence: missense variant.
Genome position (GRCh38, 1-based): chr22:38,745,706, C>T on the plus strand (G>A on the coding strand, the complement: SUN2 is on the minus strand). VCF-style: chr22-38745706-C-T. GRCh37 (hg19) VCF-style: chr22-39141711-C-T.
Other names: c.854G>A, p.Arg285Lys (NM_001199579.2); c.791G>A, p.Arg264Lys (NM_001199580.2); short protein forms R264K, R285K.
Identifiers: ClinVar variation 1054236 (VCV001054236.9), dbSNP rs901495726, ClinGen allele CA324305364.